The following continues an entry in ClinVar:

NM_000051.4(ATM):c.3802del (p.Glu1267_Val1268insTer)

Gene: ATM. ClinVar aggregate classification (germline): Pathogenic. Pathogenic (1).

Submissions 9 to 20 of 44:

Dasa
Classification: Pathogenic for ATM-related cancer predisposition. Last evaluated: 2025-08-26. Review status: criteria provided, single submitter. Criteria: DASA Assertion Criteria. Collection method: clinical testing. Allele origin: germline. Not counted in ClinVar's aggregate classification.
Comment: NM_000051.4(ATM):c.3802del (p.Val1268Ter) introduces a premature termination codon predicted to result in loss of normal protein function. Loss-of-function is an established mechanism of disease for this gene. Functional evidence supports a deleterious effect on the gene or gene product (PMID: 9887333; PMID: 10864201; PMID: 25077176; PMID: 27664052; PMID: 8755918). This variant has been recurrently observed in individuals with ATM-related cancer predisposition (PMID: 9887333; PMID: 10864201; PMID: 25077176; PMID: 27664052; PMID: 8755918). The variant is present at low frequency in population datasets. Based on the available data, this variant is classified as pathogenic.

Institute of Immunology and Genetics Kaiserslautern
Classification: Pathogenic for Breast-ovarian cancer, familial, susceptibility to, 1. Last evaluated: 2025-07-30. Review status: criteria provided, single submitter. Criteria: ACMG Guidelines, 2015. Collection method: clinical testing. Allele origin: germline. Affected: yes. Not counted in ClinVar's aggregate classification.
Comment: ACMG Criteria: PVS1, PM3, PP5_M.

GeneKor MSA
Classification: Pathogenic for Hereditary cancer-predisposing syndrome. Last evaluated: 2025-06-25. Review status: criteria provided, single submitter. Criteria: ACMG Guidelines, 2015. Collection method: clinical testing. Allele origin: germline. Affected: yes. Not counted in ClinVar's aggregate classification.
Comment: This sequence change creates a premature translational stop signal (p.Val1268*) in the ATM gene. It is expected to result in an absent or disrupted protein product. Loss-of-function variants in ATM are known to be pathogenic (PMID:23807571, 25614872). The mutation database Clinvar contains entries for this variant (VCV000127374.83). This variant has been reported in individuals with ataxia-telangiectasia (A-T) as homozygous (PMID:9887333, 10864201) or compound heterozygous with other pathogenic ATM variants (PMID:9887333, 8755918, 25614872, 10330348, 25077176, 12815592, 23585524). Moreover, It has been described as an A-T founder mutation in families from the British Isles (PMID:9463314). In addition, it has been reported in individuals with breast cancer (PMID:11606401, 18384426, 21787400, 16832357) and pancreatic cancer (PMID:22585167). This variant is also known as c.3801delG in the literature.Based on the classification criteria set by the ACMG and AMP (PMID:25741868) this variant has been classified as pathogenic.

ARUP Laboratories, Molecular Genetics and Genomics, ARUP Laboratories
Classification: Pathogenic. Last evaluated: 2025-06-12. Review status: criteria provided, single submitter. Criteria: ARUP Molecular Germline Variant Investigation Process 2024. Collection method: clinical testing. Allele origin: germline. Not counted in ClinVar's aggregate classification.
Comment: The ATM c.3802del; p.Val1268Ter variant (rs587779834, ClinVar Variation ID: 127374), is reported in the literature in the homozygous or compound heterozygous state in multiple individuals affected with ataxia-telangiectasia (Demuth 2011, Mitui 2003, Podralska 2014, Yu 2016), and in the heterozygous state in individuals affected with breast cancer (Brunet 2008, Goldgar 2011, Grana 2011, Renwick 2006) or other types of cancer (AlDubayan 2018, Navrkalova 2013, Pritchard 2016). This variant is found in the general population with an overall allele frequency of 0.004% (11/276,948 alleles) in the Genome Aggregation Database (v2.1.1). This variant induces an early termination codon, and functional analyses demonstrate that this results in an mRNA subject to nonsense-mediated decay (Nakamura 2014). Based on available information, this variant is considered to be pathogenic. References: AlDubayan SH et al. Inherited DNA-Repair Defects in Colorectal Cancer. Am J Hum Genet. 2018 Mar 1;102(3):401-414. Brunet J et al. ATM germline mutations in Spanish early-onset breast cancer patients negative for BRCA1/BRCA2 mutations. Clin Genet. 2008 May;73(5):465-73. Demuth I et al. New mutations in the ATM gene and clinical data of 25 AT patients. Neurogenetics. 2011 Nov;12(4):273-82. Goldgar DE et al. Rare variants in the ATM gene and risk of breast cancer. Breast Cancer Res. 2011 Jul 25;13(4):R73. Grana B et al. Germline ATM mutational analysis in BRCA1/BRCA2 negative hereditary breast cancer families by MALDI-TOF mass spectrometry. Breast Cancer Res Treat. 2011 Jul;128(2):573-9. Mitui M et al. Independent mutational events are rare in the ATM gene: haplotype prescreening enhances mutation detection rate. Hum Mutat. 2003 Jul;22(1):43-50. Nakamura K et al. A-TWinnipeg: Pathogenesis of rare ATM missense mutation c.6200C>A with decreased protein expression and downstream signaling, early-onset dystonia, cancer, and life-threatening radiotoxicity. Mol Genet Genomic Med. 2014 Jul;2(4):332-40. Navrkalova V et al. ATM mutations uniformly lead to ATM dysfunction in chronic lymphocytic leukemia: application of functional test using doxorubicin. Haematologica. 2013 Jul;98(7):1124-31. Podralska MJ et al. Ten new ATM alterations in Polish patients with ataxia-telangiectasia. Mol Genet Genomic Med. 2014 Nov;2(6):504-11. Pritchard CC et al. Inherited DNA-Repair Gene Mutations in Men with Metastatic Prostate Cancer. N Engl J Med. 2016 Aug 4;375(5):443-53. Renwick A et al. ATM mutations that cause ataxia-telangiectasia are breast cancer susceptibility alleles. Nat Genet. 2006 Aug;38(8):873-5. Yu H et al. Rapid molecular diagnostics of severe primary immunodeficiency determined by using targeted next-generation sequencing. J Allergy Clin Immunol. 2016 Oct;138(4):1142-1151.e2.

Revvity Omics, Revvity
Classification: Pathogenic for Ataxia-telangiectasia syndrome. Last evaluated: 2025-05-12. Review status: criteria provided, single submitter. Criteria: ACMG Guidelines, 2015. Collection method: clinical testing. Allele origin: germline. Not counted in ClinVar's aggregate classification.

Ambry Genetics
Classification: Pathogenic for Hereditary cancer-predisposing syndrome. Last evaluated: 2025-04-09. Review status: criteria provided, single submitter. Criteria: Ambry Variant Classification Scheme 2023. Collection method: clinical testing. Allele origin: germline. Not counted in ClinVar's aggregate classification.
Comment: The c.3802delG pathogenic mutation, located in coding exon 25 of the ATM gene, results from a deletion of one nucleotide at nucleotide position 3802, causing a translational frameshift with a predicted alternate stop codon (p.V1268*). This alteration has been reported in breast cancer, pancreatic cancer, prostate cancer, colorectal cancer and ataxia-telangiectasia (AT) families to date (McConville CM et al. Am. J. Hum. Genet. 1996 Aug;59:320-30; Goldgar DE et al. Breast Cancer Res. 2011 Jul;13:R73; Roberts NJ et al. Cancer Discov. 2012 Jan;2:41-6; Podralska MJ et al. Mol Genet Genomic Med. 2014 Nov;2:504-11; Pritchard CC et al. N. Engl. J. Med. 2016 Aug;375:443-53; AlDubayan SH et al. Am. J. Hum. Genet. 2018 Mar;102:401-414; Yurgelun MB et al. Genet. Med. 2019 Jan;21:213-223). In addition to the clinical data presented in the literature, this alteration is expected to result in loss of function by premature protein truncation or nonsense-mediated mRNA decay. As such, this alteration is interpreted as a disease-causing mutation.

Center for Genomic Medicine, Rigshospitalet, Copenhagen University Hospital
Classification: Pathogenic. Last evaluated: 2025-03-04. Review status: criteria provided, single submitter. Criteria: ACMG Guidelines, 2015. Collection method: clinical testing. Allele origin: germline. Not counted in ClinVar's aggregate classification.

Blueprint Genetics
Classification: Pathogenic for ATM-related disorders. Last evaluated: 2024-09-23. Review status: criteria provided, single submitter. Criteria: ACMG Guidelines, 2015. Collection method: clinical testing. Allele origin: germline. Affected: yes. Observed: 5 variant alleles. Not counted in ClinVar's aggregate classification.

Hereditary Cancer Laboratory, Hospital Universitario 12 de Octubre
Classification: Pathogenic for Hereditary cancer-predisposing syndrome. Last evaluated: 2024-05-23. Review status: criteria provided, single submitter. Criteria: ACMG Guidelines, 2015. Collection method: clinical testing. Allele origin: germline. Not counted in ClinVar's aggregate classification.
Comment: PVS1, PM2, PP3

Quest Diagnostics Nichols Institute San Juan Capistrano
Classification: Pathogenic. Last evaluated: 2024-04-22. Review status: criteria provided, single submitter. Criteria: Quest Diagnostics criteria. Collection method: clinical testing. Allele origin: unknown. Not counted in ClinVar's aggregate classification.
Comment: The ATM c.3802del (p.Val1268*) variant causes the premature termination of ATM protein synthesis. This variant has been reported in the published literature in individuals with breast or pancreatic cancer (PMIDs: 33280026 (2021), 22585167 (2012), 21787400 (2011), 18384426 (2008), 11606401 (2001)) or in individuals and families with Ataxia-telangiectasia (PMID: 21965147 (2011), 17124347 (2006), 9887333 (1999), 9463314 (1998)). The frequency of this variant in the general population, 0.000085 (3/35406 chromosomes (Genome Aggregation Database)), is consistent with pathogenicity. Based on the available information, this variant is classified as pathogenic.

Baylor Genetics
Classification: Pathogenic for Familial cancer of breast. Last evaluated: 2024-03-11. Review status: criteria provided, single submitter. Criteria: ACMG Guidelines, 2015. Collection method: clinical testing. Allele origin: unknown. Not counted in ClinVar's aggregate classification.

Myriad Genetics, Inc.
Classification: Pathogenic for Familial cancer of breast. Last evaluated: 2024-01-23. Review status: criteria provided, single submitter. Criteria: Myriad Autosomal Dominant, Autosomal Recessive and X-Linked Classification Criteria (2023). Collection method: clinical testing. Allele origin: unknown. Not counted in ClinVar's aggregate classification.
Comment: This variant is considered pathogenic. This variant creates a termination codon and is predicted to result in premature protein truncation.